The following is an entry in ClinVar:

NM_006904.7(PRKDC):c.3368C>T (p.Thr1123Ile)

Gene: PRKDC (protein kinase, DNA-activated, catalytic subunit; minus strand). Cytogenetic location: 8q11.21.
Variant type: single nucleotide variant.
Coding change: c.3368C>T on transcript NM_006904.7 (MANE Select); coding-DNA position 3368, C replaced by T.
Protein change: p.Thr1123Ile; replaces threonine 1123 with isoleucine.
Molecular consequence: missense variant.
Genome position (GRCh38, 1-based): chr8:47,898,566, G>A on the plus strand (C>T on the coding strand, the complement: PRKDC is on the minus strand). VCF-style: chr8-47898566-G-A. GRCh37 (hg19) VCF-style: chr8-48811126-G-A.
Other names: c.3368C>T, p.Thr1123Ile (NM_001081640.2); short protein forms T1123I.
Identifiers: ClinVar variation 577244 (VCV000577244.10), dbSNP rs1563792638, ClinGen allele CA371154927.

ClinVar aggregate classification (germline): Uncertain significance. Review status: criteria provided, multiple submitters, no conflicts (2 of 4 stars). 2 submissions from 2 submitters: Uncertain significance (2). Last evaluated 2024-11-18.

Conditions:
Severe combined immunodeficiency due to DNA-PKcs deficiency. Also called: IMMUNODEFICIENCY 26 WITH NEUROLOGIC ABNORMALITIES; Immunodeficiency 26 with or without neurologic abnormalities. Identifiers: Orphanet 317425, MedGen C4014833, MONDO:0014423, OMIM 615966.

Allele frequency attached by ClinVar (database versions not stated): TOPMed below 0.00001; gnomAD 0.00001; gnomAD exomes 0.00001.
gnomAD v4.1: 12 of 1,439,418 alleles (0.00083%); highest among the groups gnomAD compares: Admixed American, 0.0021%; no homozygotes.

Submissions (2):

Labcorp Genetics (formerly Invitae), Labcorp
Classification: Uncertain significance for Severe combined immunodeficiency due to DNA-PKcs deficiency. Last evaluated: 2024-11-18. Review status: criteria provided, single submitter. Criteria: Invitae Variant Classification Sherloc (09022015). Collection method: clinical testing. Allele origin: germline.
Comment: This sequence change replaces threonine, which is neutral and polar, with isoleucine, which is neutral and non-polar, at codon 1123 of the PRKDC protein (p.Thr1123Ile). This variant is not present in population databases (gnomAD no frequency). This variant has not been reported in the literature in individuals affected with PRKDC-related conditions. ClinVar contains an entry for this variant (Variation ID: 577244). Invitae Evidence Modeling of protein sequence and biophysical properties (such as structural, functional, and spatial information, amino acid conservation, physicochemical variation, residue mobility, and thermodynamic stability) has been performed for this missense variant. However, the output from this modeling did not meet the statistical confidence thresholds required to predict the impact of this variant on PRKDC protein function. In summary, the available evidence is currently insufficient to determine the role of this variant in disease. Therefore, it has been classified as a Variant of Uncertain Significance.

Ambry Genetics
Classification: Uncertain significance. Last evaluated: 2023-07-12. Review status: criteria provided, single submitter. Criteria: Ambry Variant Classification Scheme 2023. Collection method: clinical testing. Allele origin: germline.